The following is an entry in ClinVar:

ClinVar aggregate classification (germline): Benign/Likely benign. Review status: criteria provided, multiple submitters, no conflicts (2 of 4 stars). 5 submissions from 5 submitters: Benign (2); Likely benign (3). Last evaluated 2026-01-02.

Conditions:
Autosomal recessive hypohidrotic ectodermal dysplasia syndrome. Also called: Autosomal recessive hypohidrotic ectodermal dysplasia. Identifiers: Orphanet 248, MedGen C0406702, MONDO:0016619.
Ectodermal dysplasia 10A, hypohidrotic/hair/nail type, autosomal dominant (ECTD10A). Also called: Ectodermal Dysplasia 3, Anhidrotic. Identifiers: Orphanet 1810, Orphanet 238468, MedGen C3888065, MONDO:0007509, OMIM 129490.
Hypohidrotic ectodermal dysplasia (HED). Identifiers: Orphanet 238468, MedGen C5848103, MONDO:0016535, HP:0007607.

Allele frequency attached by ClinVar (database versions not stated): ESP Exome Variant Server 0.00008; gnomAD exomes 0.00015 and 0.00081; gnomAD 0.00039 and 0.00042; TOPMed 0.00051; ExAC 0.00063; 1000 Genomes Project 30x 0.00109; 1000 Genomes Project 0.00140.
gnomAD v4.1: 372 of 1,613,400 alleles (0.023%); highest among the groups gnomAD compares: East Asian, 0.5%; 1 homozygote.

Submissions (5):

Labcorp Genetics (formerly Invitae), Labcorp
Classification: Benign for Ectodermal dysplasia 10A, hypohidrotic/hair/nail type, autosomal dominant; Autosomal recessive hypohidrotic ectodermal dysplasia syndrome. Last evaluated: 2026-01-02. Review status: criteria provided, single submitter. Criteria: Invitae Variant Classification Sherloc (09022015). Collection method: clinical testing. Allele origin: germline.

Blueprint Genetics
Classification: Likely benign. Last evaluated: 2024-11-11. Review status: criteria provided, single submitter. Criteria: ACMG Guidelines, 2015. Collection method: clinical testing. Allele origin: germline.

Illumina Laboratory Services, Illumina
Classification: Benign for Hypohidrotic ectodermal dysplasia. Last evaluated: 2018-01-13. Review status: criteria provided, single submitter. Criteria: ICSL Variant Classification Criteria 13 December 2019. Collection method: clinical testing. Allele origin: germline.
Comment: This variant was observed in the ICSL laboratory as part of a predisposition screen in an ostensibly healthy population. It had not been previously curated by ICSL or reported in the Human Gene Mutation Database (HGMD: prior to June 1st, 2018), and was therefore a candidate for classification through an automated scoring system. Utilizing variant allele frequency, disease prevalence and penetrance estimates, and inheritance mode, an automated score was calculated to assess if this variant is too frequent to cause the disease. Based on the score and internal cut-off values, a variant classified as benign is not then subjected to further curation. The score for this variant resulted in a classification of benign for this disease.

Eurofins Ntd Llc (ga)
Classification: Likely benign. Last evaluated: 2015-10-13. Review status: criteria provided, single submitter. Criteria: EGL Classification Definitions 2015. Collection method: clinical testing. Allele origin: germline. Observed: 1 variant allele, 1 heterozygote.

Breakthrough Genomics
Classification: Likely benign. Review status: criteria provided, single submitter. Criteria: ACMG Guidelines, 2015. Collection method: not provided. Allele origin: germline. Inheritance: Autosomal recessive inheritance. Affected: yes.

NM_022336.4(EDAR):c.960C>T (p.Ala320=)

Genes: EDAR (ectodysplasin A receptor; minus strand), RANBP2 (RAN binding protein 2; plus strand). Cytogenetic location: 2q13.
Variant type: single nucleotide variant.
Coding change: c.960C>T on transcript NM_022336.4 (MANE Select); coding-DNA position 960, C replaced by T.
Protein change: p.Ala320=; no amino-acid change (alanine 320 retained).
Molecular consequence: synonymous variant.
Genome position (GRCh38, 1-based): chr2:108,907,863, G>A on the plus strand (C>T on the coding strand, the complement: EDAR is on the minus strand). VCF-style: chr2-108907863-G-A. GRCh37 (hg19) VCF-style: chr2-109524319-G-A.
Identifiers: ClinVar variation 283784 (VCV000283784.19), dbSNP rs10432616, ClinGen allele CA1824885.